The following is an entry in ClinVar:

NM_182961.4(SYNE1):c.17866C>T (p.Arg5956Cys)

Gene: SYNE1 (spectrin repeat containing nuclear envelope protein 1; minus strand). Cytogenetic location: 6q25.2.
Variant type: single nucleotide variant.
Coding change: c.17866C>T on transcript NM_182961.4 (MANE Select); coding-DNA position 17866, C replaced by T.
Protein change: p.Arg5956Cys; replaces arginine 5956 with cysteine.
Molecular consequence: missense variant.
Genome position (GRCh38, 1-based): chr6:152,293,734, G>A on the plus strand (C>T on the coding strand, the complement: SYNE1 is on the minus strand). VCF-style: chr6-152293734-G-A. GRCh37 (hg19) VCF-style: chr6-152614869-G-A.
Other names: c.17653C>T, p.Arg5885Cys (NM_033071.5); short protein forms R5885C, R5956C.
Identifiers: ClinVar variation 810014 (VCV000810014.48), dbSNP rs558631055, ClinGen allele CA4055103.
Genomic context (GRCh38, chr6:152,293,734, plus strand): 5'-AGATGGACTGGAGGGAGTCCTGGTACTTCTGCTGGCGTTCCAAAGCTTCATAGAGTGTGC[G>A]CTGCTTCTCACTGATCTACACCAGAAAAGGGATATTACCAAATGCTTCCCAGCCCCTTAT-3'
Protein context (NP_892006.3, residues 5946-5966): TLKNVISEKQ[Arg5956Cys]TLYEALERQQ

ClinVar aggregate classification (germline): Uncertain significance. Review status: criteria provided, multiple submitters, no conflicts (2 of 4 stars). 4 submissions from 4 submitters: Uncertain significance (4). Last evaluated 2026-03-18.

Conditions:
Autosomal recessive ataxia, Beauce type. Also called: SYNE1-Related Autosomal Recessive Cerebellar Ataxia; ATAXIA, RECESSIVE, OF BEAUCE; SYNE1 Deficiency; Spinocerebellar ataxia, autosomal recessive 8. Identifiers: Orphanet 88644, MedGen C1853116, MONDO:0012549, OMIM 610743.
Emery-Dreifuss muscular dystrophy 4, autosomal dominant (EDMD4). Also called: EMERY-DREIFUSS MUSCULAR DYSTROPHY 4 WITH VARIABLE FEATURES. Identifiers: Orphanet 261, MedGen C2751807, MONDO:0013071, OMIM 612998.

Allele frequency attached by ClinVar (database versions not stated): TOPMed 0.00001; gnomAD 0.00002 and 0.00005; ExAC 0.00008; gnomAD exomes 0.00008; 1000 Genomes Project 30x 0.00016; 1000 Genomes Project 0.00020.
gnomAD v4.1: 64 of 1,592,488 alleles (0.004%); highest among the groups gnomAD compares: South Asian, 0.048%; no homozygotes.

Submissions (4):

GeneDx
Classification: Uncertain significance. Last evaluated: 2026-03-18. Review status: criteria provided, single submitter. Criteria: GeneDx Variant Classification Process June 2021. Collection method: clinical testing. Allele origin: germline.
Comment: In silico analysis supports that this missense variant has a deleterious effect on protein structure/function; Has not been previously published as pathogenic or benign to our knowledge

Blueprint Genetics
Classification: Uncertain significance. Last evaluated: 2024-10-03. Review status: criteria provided, single submitter. Criteria: ACMG Guidelines, 2015. Collection method: clinical testing. Allele origin: germline.

Labcorp Genetics (formerly Invitae), Labcorp
Classification: Uncertain significance for Emery-Dreifuss muscular dystrophy 4, autosomal dominant; Autosomal recessive ataxia, Beauce type. Last evaluated: 2022-08-09. Review status: criteria provided, single submitter. Criteria: Invitae Variant Classification Sherloc (09022015). Collection method: clinical testing. Allele origin: germline.
Comment: This sequence change replaces arginine, which is basic and polar, with cysteine, which is neutral and slightly polar, at codon 5885 of the SYNE1 protein (p.Arg5885Cys). The frequency data for this variant in the population databases is considered unreliable, as metrics indicate poor data quality at this position in the gnomAD database. This variant has not been reported in the literature in individuals affected with SYNE1-related conditions. ClinVar contains an entry for this variant (Variation ID: 810014). Algorithms developed to predict the effect of missense changes on protein structure and function (SIFT, PolyPhen-2, Align-GVGD) all suggest that this variant is likely to be disruptive. In summary, the available evidence is currently insufficient to determine the role of this variant in disease. Therefore, it has been classified as a Variant of Uncertain Significance.

CeGaT Center for Human Genetics Tuebingen
Classification: Uncertain significance. Last evaluated: 2016-06-01. Review status: criteria provided, single submitter. Criteria: CeGaT Center For Human Genetics Tuebingen Variant Classification Criteria Version 2. Collection method: clinical testing. Allele origin: germline. Affected: yes. Observed: 1 variant allele.